The following is an entry in ClinVar:

ClinVar aggregate classification (germline): Pathogenic (1 of 4 stars; one submission).

Conditions:
Kleefstra syndrome 1 (KLEFS1). Identifiers: Orphanet 261494, MedGen C0795833, MONDO:0027407, OMIM 610253.

Submission:

Victorian Clinical Genetics Services, Murdoch Childrens Research Institute
Classification: Pathogenic for Kleefstra syndrome 1. Last evaluated: 2026-02-08. Review status: criteria provided, single submitter. Criteria: ACMG Guidelines, 2015. Collection method: clinical testing. Allele origin: germline. Affected: yes.
Comment: This variant is classified as Pathogenic. Evidence in support of pathogenic classification: Variant is predicted to cause nonsense-mediated decay (NMD) and loss of protein (premature termination codon is located at least 54 nucleotides upstream of the final exon-exon junction); Variant is absent from gnomAD (v2, v3 and v4); This variant has moderate previous evidence of pathogenicity in unrelated individuals. The variant has been reported in the literature as de novo in an individual with Kleefstra syndrome (PMID: 38290825); Other NMD-predicted variant(s) comparable to the one identified in this case have very strong previous evidence for pathogenicity (DECIPHER); Additional information: This variant is heterozygous; This gene is associated with autosomal dominant disease; Loss of function is a known mechanism of disease in this gene and is associated with Kleefstra syndrome 1 (MIM#610253).

Literature cited by the submitters: PubMed 38290825.

NM_024757.5(EHMT1):c.2736G>A (p.Trp912Ter)

Gene: EHMT1 (euchromatic histone lysine methyltransferase 1; plus strand). Cytogenetic location: 9q34.3.
Variant type: single nucleotide variant.
Coding change: c.2736G>A on transcript NM_024757.5 (MANE Select); coding-DNA position 2736, G replaced by A.
Protein change: p.Trp912Ter; replaces tryptophan 912 with a stop codon.
Molecular consequence: nonsense.
Genome position (GRCh38, 1-based): chr9:137,811,484, G>A. VCF-style: chr9-137811484-G-A. GRCh37 (hg19) VCF-style: chr9-140705936-G-A.
Other names: c.2715G>A, p.Trp905Ter (NM_001354263.2); short protein forms W905*, W912*.
Identifiers: ClinVar variation 4819034 (VCV004819034.1).
Genomic context (GRCh38, chr9:137,811,484, plus strand): 5'-GGAAGCCTGCACTGAGCTCTGGCTTGTGTCTGTTCAGGAGGAGAACATTTGCCTGCACTG[G>A]GCGGCGTTCTCCGGCTGCGTGGACATAGCCGAGATCCTGCTGGCTGCCAAGTGCGACCTC-3'